The following is an entry in ClinVar:

NM_001042492.3(NF1):c.4371A>G (p.Lys1457=)

Gene: NF1 (neurofibromin 1; plus strand). Cytogenetic location: 17q11.2.
Variant type: single nucleotide variant.
Coding change: c.4371A>G on transcript NM_001042492.3 (MANE Select); coding-DNA position 4371, A replaced by G.
Protein change: p.Lys1457=; no amino-acid change (lysine 1457 retained).
Molecular consequence: synonymous variant.
Genome position (GRCh38, 1-based): chr17:31,259,070, A>G. VCF-style: chr17-31259070-A-G. GRCh37 (hg19) VCF-style: chr17-29586088-A-G.
Other names: c.4308A>G, p.Lys1436= (NM_000267.4).
Identifiers: ClinVar variation 963393 (VCV000963393.10), dbSNP rs1555618658, ClinGen allele CA499233596.

ClinVar aggregate classification (germline): Benign/Likely benign. Review status: criteria provided, multiple submitters, no conflicts (2 of 4 stars). 3 submissions from 3 submitters: Benign (1); Likely benign (2). Last evaluated 2026-09-23.

Conditions:
Cardiovascular phenotype. Identifiers: MedGen CN230736.
Hereditary cancer-predisposing syndrome. Also called: Tumor predisposition; Hereditary neoplastic syndrome; Neoplastic Syndromes, Hereditary; Hereditary Cancer Syndrome. Identifiers: Orphanet 140162, MedGen C0027672, MeSH D009386, MONDO:0015356.
Neurofibromatosis, type 1 (NF1). Also called: NEUROFIBROMATOSIS, TYPE I, SOMATIC; Peripheral type neurofibromatosis; VON RECKLINGHAUSEN DISEASE; Neurofibromatosis, type I. Identifiers: Orphanet 636, MedGen C0027831, MONDO:0018975, OMIM 162200. Disease mechanism: loss of function.

Submissions (3):

Myriad Genetics, Inc.
Classification: Benign for Neurofibromatosis, type 1. Last evaluated: 2026-09-23. Review status: criteria provided, single submitter. Criteria: Myriad Autosomal Dominant, Autosomal Recessive and X-Linked Classification Criteria (2023). Collection method: clinical testing. Allele origin: unknown.
Comment: This variant is considered benign. This variant is a silent/synonymous amino acid change and it is not expected to impact splicing.

Labcorp Genetics (formerly Invitae), Labcorp
Classification: Likely benign for Neurofibromatosis, type 1. Last evaluated: 2025-03-26. Review status: criteria provided, single submitter. Criteria: Invitae Variant Classification Sherloc (09022015). Collection method: clinical testing. Allele origin: germline.

Ambry Genetics
Classification: Likely benign for Cardiovascular phenotype; Hereditary cancer-predisposing syndrome. Last evaluated: 2019-10-14. Review status: criteria provided, single submitter. Criteria: Ambry Variant Classification Scheme 2023. Collection method: clinical testing. Allele origin: germline.